The following is an entry in ClinVar:

ClinVar aggregate classification (germline): Uncertain significance (1 of 4 stars; one submission).

Submission:

GeneDx
Classification: Uncertain significance. Last evaluated: 2017-07-10. Review status: criteria provided, single submitter. Criteria: GeneDx Variant Classification (06012015). Collection method: clinical testing. Allele origin: germline. Affected: yes.
Comment: The S947T variant in the NOTCH3 gene has not been reported previously as a pathogenic variant, nor as a benign variant, to our knowledge. The S947T variant is not observed in large population cohorts (Lek et al., 2016; 1000 Genomes Consortium et al., 2015; Exome Variant Server). The S947T variant is a conservative amino acid substitution, which occurs at a position in the EGF-like 24 domain where amino acids with similar properties to Serine are tolerated across species. In silico analysis is inconsistent in its predictions as to whether or not the variant is damaging to the protein structure/function. We interpret S947T as a variant of uncertain significance.

NM_000435.3(NOTCH3):c.2840G>C (p.Ser947Thr)

Gene: NOTCH3 (notch receptor 3; minus strand). Cytogenetic location: 19p13.12.
Variant type: single nucleotide variant.
Coding change: c.2840G>C on transcript NM_000435.3 (MANE Select); coding-DNA position 2840, G replaced by C.
Protein change: p.Ser947Thr; replaces serine 947 with threonine.
Molecular consequence: missense variant.
Genome position (GRCh38, 1-based): chr19:15,181,115, C>G on the plus strand (G>C on the coding strand, the complement: NOTCH3 is on the minus strand). VCF-style: chr19-15181115-C-G. GRCh37 (hg19) VCF-style: chr19-15291926-C-G.
Other names: short protein forms S947T.
Identifiers: ClinVar variation 450321 (VCV000450321.2), dbSNP rs1555728008, ClinGen allele CA404516089.
Genomic context (GRCh38, chr19:15,181,115, plus strand): 5'-AGGCAGGGGTCTGCCTCATGTTGGCAGTGGGCTCCTGTGTAGCCGGGACGGCACAGGCAG[C>G]TGAACGAGTTCACGCCGTCCACACAGGTCCCGCCATTGAAGCAGGAGCTGGAGCGGAAGG-3'
Protein context (NP_000426.2, residues 937-957): GTCVDGVNSF[Ser947Thr]CLCRPGYTGA